The following is an entry in ClinVar:

NM_001318852.2(MAPK8IP3):c.3431C>T (p.Ser1144Phe)

Gene: MAPK8IP3 (mitogen-activated protein kinase 8 interacting protein 3; plus strand). Cytogenetic location: 16p13.3.
Variant type: single nucleotide variant.
Coding change: c.3431C>T on transcript NM_001318852.2 (MANE Select); coding-DNA position 3431, C replaced by T.
Protein change: p.Ser1144Phe; replaces serine 1144 with phenylalanine.
Molecular consequence: missense variant.
Genome position (GRCh38, 1-based): chr16:1,767,826, C>T. VCF-style: chr16-1767826-C-T. GRCh37 (hg19) VCF-style: chr16-1817827-C-T.
Other names: c.3410C>T, p.Ser1137Phe (NM_001040439.2); c.3428C>T, p.Ser1143Phe (NM_015133.5); short protein forms S1137F, S1143F, S1144F.
Identifiers: ClinVar variation 5017168 (VCV005017168.1).

ClinVar aggregate classification (germline): Uncertain significance (1 of 4 stars; one submission).

Submission:

GeneDx
Classification: Uncertain significance. Last evaluated: 2026-03-24. Review status: criteria provided, single submitter. Criteria: GeneDx Variant Classification Process June 2021. Collection method: clinical testing. Allele origin: germline.
Comment: Not observed at significant frequency in large population cohorts (gnomAD); In silico analysis supports that this missense variant has a deleterious effect on protein structure/function; Has not been previously published as pathogenic or benign to our knowledge